The following is an entry in ClinVar:

NM_000143.4(FH):c.70dup (p.Ser24fs)

Gene: FH (fumarate hydratase; minus strand). Cytogenetic location: 1q43.
Variant type: Duplication.
Coding change: c.70dup on transcript NM_000143.4 (MANE Select); coding-DNA position 70, one base duplicated (T; older notation c.70dupT).
Protein change: p.Ser24fs; shifts the reading frame from serine 24.
Molecular consequence: frameshift variant.
Genome position (GRCh38, 1-based): chr1:241,519,653, A duplicated on the plus strand (T on the coding strand, the reverse complement: FH is on the minus strand); the first of 2 consecutive A bases (chr1:241,519,653-241,519,654); duplicating either gives the same sequence. VCF-style (leftmost placement, unchanged base first): chr1-241519652-G-GA. GRCh37 (hg19) VCF-style: chr1-241682952-G-GA.
Other names: c.70dupT (NM_000143.3); short protein forms S24fs.
Identifiers: ClinVar variation 3850224 (VCV003850224.1).

ClinVar aggregate classification (germline): Uncertain significance (1 of 4 stars; one submission).

Conditions:
Hereditary cancer-predisposing syndrome. Also called: Hereditary neoplastic syndrome; Neoplastic Syndromes, Hereditary; Tumor predisposition; Hereditary Cancer Syndrome. Identifiers: Orphanet 140162, MedGen C0027672, MeSH D009386, MONDO:0015356.

Submission:

Ambry Genetics
Classification: Uncertain significance for Hereditary cancer-predisposing syndrome. Last evaluated: 2025-01-16. Review status: criteria provided, single submitter. Criteria: Ambry Variant Classification Scheme 2023. Collection method: clinical testing. Allele origin: germline.
Comment: The c.70dupT variant, located in coding exon 1 of the FH gene, results from a duplication of T at nucleotide position 70, causing a translational frameshift with a predicted alternate stop codon (p.S24Ffs*32). This alteration is expected to result in loss of function by premature protein truncation or nonsense-mediated mRNA decay. However, there is a second in-frame methionine at p.M44. Proteins initiated from the first methionine are targeted to the mitochondrion while proteins initiated from the second methionine are targeted to the cytoplasm due to the lack of the mitochondrial targeting sequence encoded between them (Dik E et al. Traffic, 2016 Jul;17:720-32; Magrane M et al., Database (Oxford) 2011). Data suggest that it is the cytoplasmic protein that conveys the tumor suppressor function of FH (Yogev O et al. PLoS Biol., 2010 Mar;8:e1000328). This alteration and others that are expected to adversely affect the protein before the second methionine, have been observed in numerous individuals who do not have a personal or family history that is consistent with or suggestive of HLRCC (Ambry internal data). The clinical impact of this variant in terms of autosomal recessive Fumarase Deficiency is also unclear due to the lack of this variant being associated with this autosomal recessive disease in the literature and internally. Based on the available evidence, the clinical significance of this variant remains unclear.